The following is an entry in ClinVar:

ClinVar aggregate classification (germline): Uncertain significance (1 of 4 stars; one submission).

Conditions:
Cardiovascular phenotype. Identifiers: MedGen CN230736.

Allele frequency attached by ClinVar (database versions not stated): gnomAD exomes below 0.00001.

Submission:

Ambry Genetics
Classification: Uncertain significance for Cardiovascular phenotype. Last evaluated: 2023-05-23. Review status: criteria provided, single submitter. Criteria: Ambry Variant Classification Scheme 2023. Collection method: clinical testing. Allele origin: germline.
Comment: The p.A984V variant (also known as c.2951C>T), located in coding exon 8 of the ALMS1 gene, results from a C to T substitution at nucleotide position 2951. The alanine at codon 984 is replaced by valine, an amino acid with similar properties. This amino acid position is poorly conserved in available vertebrate species. In addition, this alteration is predicted to be tolerated by in silico analysis. Since supporting evidence is limited at this time, the clinical significance of this alteration remains unclear.

NM_001378454.1(ALMS1):c.2948C>T (p.Ala983Val)

Gene: ALMS1 (ALMS1 centrosome and basal body associated protein; plus strand). Cytogenetic location: 2p13.1.
Variant type: single nucleotide variant.
Coding change: c.2948C>T on transcript NM_001378454.1 (MANE Select); coding-DNA position 2948, C replaced by T.
Protein change: p.Ala983Val; replaces alanine 983 with valine.
Molecular consequence: missense variant.
Genome position (GRCh38, 1-based): chr2:73,449,475, C>T. VCF-style: chr2-73449475-C-T. GRCh37 (hg19) VCF-style: chr2-73676602-C-T.
Other names: c.2951C>T, p.Ala984Val (NM_015120.4); short protein forms A983V, A984V.
Identifiers: ClinVar variation 2564339 (VCV002564339.2), dbSNP rs2466096376, ClinGen allele CA347273187.